The following is an entry in ClinVar:

ClinVar aggregate classification (germline): Uncertain significance (1 of 4 stars; one submission).

Conditions:
Gastrointestinal stromal tumor. Also called: Gastrointestinal stromal tumor, somatic; Gastrointestinal stroma tumor. Identifiers: Orphanet 44890, MedGen C0238198, MeSH D046152, MONDO:0011719, OMIM 606764, HP:0100723.

Submission:

Labcorp Genetics (formerly Invitae), Labcorp
Classification: Uncertain significance for Gastrointestinal stromal tumor. Last evaluated: 2025-07-25. Review status: criteria provided, single submitter. Criteria: Invitae Variant Classification Sherloc (09022015). Collection method: clinical testing. Allele origin: germline.
Comment: This sequence change replaces aspartic acid, which is acidic and polar, with glutamic acid, which is acidic and polar, at codon 68 of the PDGFRA protein (p.Asp68Glu). This variant is not present in population databases (gnomAD no frequency). This variant has not been reported in the literature in individuals affected with PDGFRA-related conditions. An algorithm developed to predict the effect of missense changes on protein structure and function (PolyPhen-2) suggests that this variant is likely to be tolerated. In summary, the available evidence is currently insufficient to determine the role of this variant in disease. Therefore, it has been classified as a Variant of Uncertain Significance.

NM_006206.6(PDGFRA):c.204T>G (p.Asp68Glu)

Gene: PDGFRA (platelet derived growth factor receptor alpha; plus strand). Cytogenetic location: 4q12.
Variant type: single nucleotide variant.
Coding change: c.204T>G on transcript NM_006206.6 (MANE Select); coding-DNA position 204, T replaced by G.
Protein change: p.Asp68Glu; replaces aspartic acid 68 with glutamic acid.
Molecular consequence: missense variant.
Genome position (GRCh38, 1-based): chr4:54,261,249, T>G. VCF-style: chr4-54261249-T-G. GRCh37 (hg19) VCF-style: chr4-55127416-T-G.
Other names: c.204T>G, p.Asp68Glu (NM_001347827.2, NM_001347829.2); c.279T>G, p.Asp93Glu (NM_001347828.2); c.243T>G, p.Asp81Glu (NM_001347830.2); short protein forms D68E, D81E, D93E.
Identifiers: ClinVar variation 4749160 (VCV004749160.1).